The following is an entry in ClinVar:

ClinVar aggregate classification (germline): Pathogenic (1 of 4 stars; one submission).

Conditions:
Bifunctional peroxisomal enzyme deficiency (DBIF). Also called: DBP DEFICIENCY; D-bifunctional protein deficiency; PBFE DEFICIENCY. Identifiers: Orphanet 300, MedGen C0342870, MONDO:0009855, OMIM 261515. Disease mechanism: loss of function.
Perrault syndrome. Also called: Gonadal dysgenesis with auditory dysfunction, autosomal recessive inheritance. Identifiers: Orphanet 2855, MedGen C0685838, MONDO:0017312.

Submission:

Labcorp Genetics (formerly Invitae), Labcorp
Classification: Pathogenic for Perrault syndrome; Bifunctional peroxisomal enzyme deficiency. Last evaluated: 2020-09-11. Review status: criteria provided, single submitter. Criteria: Invitae Variant Classification Sherloc (09022015). Collection method: clinical testing. Allele origin: germline.
Comment: For these reasons, this variant has been classified as Pathogenic. Loss-of-function variants in HSD17B4 are known to be pathogenic (PMID: 11810648, 16385454). This variant has not been reported in the literature in individuals with HSD17B4-related conditions. This variant is not present in population databases (ExAC no frequency). This sequence change creates a premature translational stop signal (p.Glu651*) in the HSD17B4 gene. It is expected to result in an absent or disrupted protein product.

Literature cited by the submitters: PubMed 11810648; PubMed 16385454.

NM_000414.4(HSD17B4):c.1951G>T (p.Glu651Ter)

Gene: HSD17B4 (hydroxysteroid 17-beta dehydrogenase 4; plus strand). Cytogenetic location: 5q23.1.
Variant type: single nucleotide variant.
Coding change: c.1951G>T on transcript NM_000414.4 (MANE Select); coding-DNA position 1951, G replaced by T.
Protein change: p.Glu651Ter; replaces glutamic acid 651 with a stop codon.
Molecular consequence: nonsense. On other transcripts: non-coding transcript variant (2).
Genome position (GRCh38, 1-based): chr5:119,531,362, G>T. VCF-style: chr5-119531362-G-T. GRCh37 (hg19) VCF-style: chr5-118867057-G-T.
Other names: c.2026G>T, p.Glu676Ter (NM_001199291.3); c.1897G>T, p.Glu633Ter (NM_001199292.2); c.1879G>T, p.Glu627Ter (NM_001292027.2, NM_001374498.1); c.1531G>T, p.Glu511Ter (NM_001292028.2); c.1942G>T, p.Glu648Ter (NM_001374497.1); c.1624G>T, p.Glu542Ter (NM_001374499.1); c.1510G>T, p.Glu504Ter (NM_001374500.1); c.1540G>T, p.Glu514Ter (NM_001374501.1, NM_001374502.1, NM_001374503.1); short protein forms E504*, E511*, E514*, E542*, E627*, E633*, E648*, E651*.
Identifiers: ClinVar variation 1074898 (VCV001074898.7), dbSNP rs1754087713, ClinGen allele CA360871287.